The following is an entry in ClinVar:

ClinVar aggregate classification (germline): Uncertain significance (1 of 4 stars; one submission).

Conditions:
Neuroblastoma, susceptibility to, 3. Also called: ALK-Related Neuroblastic Tumor Susceptibility. Identifiers: Orphanet 635, MedGen C2751681, MONDO:0013083, OMIM 613014.

Submission:

Labcorp Genetics (formerly Invitae), Labcorp
Classification: Uncertain significance for Neuroblastoma, susceptibility to, 3. Last evaluated: 2022-08-21. Review status: criteria provided, single submitter. Criteria: Invitae Variant Classification Sherloc (09022015). Collection method: clinical testing. Allele origin: germline.
Comment: This sequence change falls in intron 13 of the ALK gene. It does not directly change the encoded amino acid sequence of the ALK protein. It affects a nucleotide within the consensus splice site. This variant is not present in population databases (gnomAD no frequency). This variant has not been reported in the literature in individuals affected with ALK-related conditions. Variants that disrupt the consensus splice site are a relatively common cause of aberrant splicing (PMID: 17576681, 9536098). Algorithms developed to predict the effect of sequence changes on RNA splicing suggest that this variant may disrupt the consensus splice site. In summary, the available evidence is currently insufficient to determine the role of this variant in disease. Therefore, it has been classified as a Variant of Uncertain Significance.

Literature cited by the submitters: PubMed 17576681; PubMed 9536098.

NM_004304.5(ALK):c.2355+3A>T

Gene: ALK (ALK receptor tyrosine kinase; minus strand). Cytogenetic location: 2p23.2.
Variant type: single nucleotide variant.
Coding change: c.2355+3A>T on transcript NM_004304.5 (MANE Select); 3 bases into the intron after coding-DNA position 2355, A replaced by T.
Molecular consequence: intron variant.
Genome position (GRCh38, 1-based): chr2:29,239,677, T>A on the plus strand (A>T on the coding strand, the complement: ALK is on the minus strand). VCF-style: chr2-29239677-T-A. GRCh37 (hg19) VCF-style: chr2-29462543-T-A.
Identifiers: ClinVar variation 2025676 (VCV002025676.4), dbSNP rs2465269934, ClinGen allele CA2580066303.
Genomic context (GRCh38, chr2:29,239,677, plus strand): 5'-TCCAAGAGGCCTTCCCGGGGCCTGACAGAGTGCAGACGAGAAACCCCTGCTCTGGGCACT[T>A]ACACTGGGGCAGGCGTCCTCTCCCTGCTGCCCAACCAGGATGTACAGCATGTCATCCTTC-3'